The following is an entry in ClinVar:

ClinVar aggregate classification (germline): Likely benign. Review status: criteria provided, multiple submitters, no conflicts (2 of 4 stars). 2 submissions from 2 submitters: Likely benign (2). Last evaluated 2026-09-25.

Conditions:
TRIM37-related disorder. Also called: TRIM37-related condition.

Allele frequency attached by ClinVar (database versions not stated): ExAC 0.00007; TOPMed 0.00008; gnomAD 0.00009; gnomAD exomes 0.00013; ESP Exome Variant Server 0.00015.
gnomAD v4.1: 196 of 1,613,934 alleles (0.012%); highest among the groups gnomAD compares: South Asian, 0.02%; no homozygotes.

Submissions (2):

PreventionGenetics, part of Exact Sciences
Classification: Likely benign for TRIM37-related condition. Last evaluated: 2026-09-25. Review status: criteria provided, single submitter. Criteria: ACMG Guidelines, 2015. Collection method: clinical testing. Allele origin: germline.
Comment: This variant is classified as likely benign based on ACMG/AMP sequence variant interpretation guidelines (Richards et al. 2015 PMID: 25741868, with internal and published modifications).

Labcorp Genetics (formerly Invitae), Labcorp
Classification: Likely benign. Last evaluated: 2025-10-02. Review status: criteria provided, single submitter. Criteria: Invitae Variant Classification Sherloc (09022015). Collection method: clinical testing. Allele origin: germline.

NM_015294.6(TRIM37):c.897A>G (p.Pro299=)

Gene: TRIM37 (tripartite motif containing 37; minus strand). Cytogenetic location: 17q22.
Variant type: single nucleotide variant.
Coding change: c.897A>G on transcript NM_015294.6 (MANE Select); coding-DNA position 897, A replaced by G.
Protein change: p.Pro299=; no amino-acid change (proline 299 retained).
Molecular consequence: synonymous variant. On other transcripts: non-coding transcript variant (2).
Genome position (GRCh38, 1-based): chr17:59,062,612, T>C on the plus strand (A>G on the coding strand, the complement: TRIM37 is on the minus strand). VCF-style: chr17-59062612-T-C. GRCh37 (hg19) VCF-style: chr17-57139973-T-C.
Other names: c.897A>G (NM_015294.4); c.897A>G, p.Pro299= (NM_001005207.5, NM_001320988.3, NM_001320989.3 and 1 more transcripts); c.795A>G, p.Pro265= (NM_001320987.3, NM_001353082.2); c.531A>G, p.Pro177= (NM_001320990.3); c.162A>G, p.Pro54= (NM_001353083.2); c.435A>G, p.Pro145= (NM_001353085.2); c.846A>G, p.Pro282= (NM_001353086.2).
Identifiers: ClinVar variation 2715804 (VCV002715804.4), dbSNP rs376783422, ClinGen allele CA8678467.